The following is an entry in ClinVar:

NM_015164.4(PLEKHM2):c.1090_1098del (p.Ser364_Asp366del)

Gene: PLEKHM2 (pleckstrin homology and RUN domain containing M2; plus strand). Cytogenetic location: 1p36.21.
Variant type: Deletion.
Coding change: c.1090_1098del on transcript NM_015164.4 (MANE Select); coding-DNA positions 1090 to 1098, 9 bases deleted (TCGCCAGAC; older notation c.1090_1098delTCGCCAGAC).
Protein change: p.Ser364_Asp366del.
Molecular consequence: inframe deletion.
Genome position (GRCh38, 1-based): chr1:15,727,162-15,727,170, TCGCCAGAC deleted; deleting any 9 consecutive bases within chr1:15,727,159-15,727,170 gives the same sequence; the c. name uses the placement nearest the transcript's 3' end. VCF-style (leftmost placement, unchanged base first): chr1-15727158-GGACTCGCCA-G. GRCh37 (hg19) VCF-style: chr1-16053653-GGACTCGCCA-G.
Other names: c.1030_1038del, p.Ser344_Asp346del (NM_001410755.1).
Identifiers: ClinVar variation 2762770 (VCV002762770.3), dbSNP rs2522441394, ClinGen allele CA2697552217.

ClinVar aggregate classification (germline): Uncertain significance (1 of 4 stars; one submission).

Submission:

Labcorp Genetics (formerly Invitae), Labcorp
Classification: Uncertain significance. Last evaluated: 2023-09-22. Review status: criteria provided, single submitter. Criteria: Invitae Variant Classification Sherloc (09022015). Collection method: clinical testing. Allele origin: germline.
Comment: Experimental studies and prediction algorithms are not available or were not evaluated, and the functional significance of this variant is currently unknown. In summary, the available evidence is currently insufficient to determine the role of this variant in disease. Therefore, it has been classified as a Variant of Uncertain Significance. This variant has not been reported in the literature in individuals affected with PLEKHM2-related conditions. This variant is not present in population databases (gnomAD no frequency). This variant, c.1090_1098del, results in the deletion of 3 amino acid(s) of the PLEKHM2 protein (p.Ser364_Asp366del), but otherwise preserves the integrity of the reading frame.